The following is an entry in ClinVar:

NM_001378969.1(KCND3):c.1489_1490del (p.Leu497fs)

Gene: KCND3 (potassium voltage-gated channel subfamily D member 3; minus strand). Cytogenetic location: 1p13.2.
Variant type: Deletion.
Coding change: c.1489_1490del on transcript NM_001378969.1 (MANE Select); coding-DNA positions 1489 to 1490, 2 bases deleted (CT; older notation c.1489_1490delCT).
Protein change: p.Leu497fs; shifts the reading frame from leucine 497.
Molecular consequence: frameshift variant. On other transcripts: intron variant (2).
Genome position (GRCh38, 1-based): chr1:111,778,464-111,778,465, AG deleted on the plus strand (CT on the coding strand, the reverse complement: KCND3 is on the minus strand). VCF-style (leftmost placement, unchanged base first): chr1-111778463-CAG-C. GRCh37 (hg19) VCF-style: chr1-112321085-CAG-C.
Other names: c.1489_1490del, p.Leu497fs (NM_004980.5); c.1462-1192_1462-1191del (NM_001378970.1, NM_172198.3); short protein forms L497fs.
Identifiers: ClinVar variation 916208 (VCV000916208.42), dbSNP rs1664228420, ClinGen allele CA1139656270.

ClinVar aggregate classification (germline): Conflicting classifications of pathogenicity. Review status: criteria provided, conflicting classifications (1 of 4 stars). 2 submissions from 2 submitters: Likely pathogenic (1); Uncertain significance (1). Last evaluated 2022-01-07.

Submissions (2):

GeneDx
Classification: Uncertain significance. Last evaluated: 2022-01-07. Review status: criteria provided, single submitter. Criteria: GeneDx Variant Classification Process June 2021. Collection method: clinical testing. Allele origin: germline. Affected: yes.
Comment: Not observed at significant frequency in large population cohorts (gnomAD); Frameshift variant predicted to result in protein truncation or nonsense mediated decay in a gene for which loss-of-function is not a known mechanism of disease; Has not been previously published as pathogenic or benign to our knowledge

CeGaT Center for Human Genetics Tuebingen
Classification: Likely pathogenic. Last evaluated: 2020-02-01. Review status: criteria provided, single submitter. Criteria: CeGaT Center For Human Genetics Tuebingen Variant Classification Criteria Version 2. Collection method: clinical testing. Allele origin: germline. Affected: yes. Observed: 1 variant allele.